The following is an entry in ClinVar:

ClinVar aggregate classification (germline): Uncertain significance. Review status: criteria provided, multiple submitters, no conflicts (2 of 4 stars). 3 submissions from 3 submitters: Uncertain significance (3). Last evaluated 2025-07-16.

Conditions:
Norman-Roberts syndrome (LIS2). Also called: Lissencephaly 2 (Norman-Roberts type). Identifiers: Orphanet 89844, MedGen C0796089, MONDO:0009760, OMIM 257320.
Familial temporal lobe epilepsy 7. Identifiers: Orphanet 101046, MedGen C4225327, MONDO:0014639, OMIM 616436.
Inborn genetic diseases. Identifiers: MedGen C0950123, MeSH D030342.

Allele frequency attached by ClinVar (database versions not stated): ExAC 0.00002.
gnomAD v4.1: 14 of 1,613,802 alleles (0.00087%); highest among the groups gnomAD compares: South Asian, 0.0022%; no homozygotes.

Submissions (3):

Labcorp Genetics (formerly Invitae), Labcorp
Classification: Uncertain significance for Familial temporal lobe epilepsy 7; Norman-Roberts syndrome. Last evaluated: 2025-07-16. Review status: criteria provided, single submitter. Criteria: Invitae Variant Classification Sherloc (09022015). Collection method: clinical testing. Allele origin: germline.
Comment: This sequence change replaces aspartic acid, which is acidic and polar, with asparagine, which is neutral and polar, at codon 1044 of the RELN protein (p.Asp1044Asn). This variant is present in population databases (rs760250241, gnomAD 0.003%). This variant has not been reported in the literature in individuals affected with RELN-related conditions. ClinVar contains an entry for this variant (Variation ID: 2657901). Invitae Evidence Modeling of protein sequence and biophysical properties (such as structural, functional, and spatial information, amino acid conservation, physicochemical variation, residue mobility, and thermodynamic stability) indicates that this missense variant is not expected to disrupt RELN protein function with a negative predictive value of 80%. In summary, the available evidence is currently insufficient to determine the role of this variant in disease. Therefore, it has been classified as a Variant of Uncertain Significance.

Ambry Genetics
Classification: Uncertain significance for Inborn genetic diseases. Last evaluated: 2025-04-01. Review status: criteria provided, single submitter. Criteria: Ambry Variant Classification Scheme 2023. Collection method: clinical testing. Allele origin: germline.

CeGaT Center for Human Genetics Tuebingen
Classification: Uncertain significance. Last evaluated: 2023-09-01. Review status: criteria provided, single submitter. Criteria: CeGaT Center For Human Genetics Tuebingen Variant Classification Criteria Version 2. Collection method: clinical testing. Allele origin: germline. Affected: yes. Observed: 1 variant allele.
Comment: RELN: PM2:Supporting

NM_005045.4(RELN):c.3130G>A (p.Asp1044Asn)

Gene: RELN (reelin; minus strand). Cytogenetic location: 7q22.1.
Variant type: single nucleotide variant.
Coding change: c.3130G>A on transcript NM_005045.4 (MANE Select); coding-DNA position 3130, G replaced by A.
Protein change: p.Asp1044Asn; replaces aspartic acid 1044 with asparagine.
Molecular consequence: missense variant.
Genome position (GRCh38, 1-based): chr7:103,604,362, C>T on the plus strand (G>A on the coding strand, the complement: RELN is on the minus strand). VCF-style: chr7-103604362-C-T. GRCh37 (hg19) VCF-style: chr7-103244809-C-T.
Other names: c.3130G>A (NM_005045.3); c.3130G>A, p.Asp1044Asn (NM_173054.3); short protein forms D1044N.
Identifiers: ClinVar variation 2657901 (VCV002657901.27), dbSNP rs760250241, ClinGen allele CA4421849.